The following is an entry in ClinVar:

NM_000535.7(PMS2):c.1734T>C (p.Arg578=)

Gene: PMS2 (PMS1 homolog 2, mismatch repair system component; minus strand). Cytogenetic location: 7p22.1.
Variant type: single nucleotide variant.
Coding change: c.1734T>C on transcript NM_000535.7 (MANE Select); coding-DNA position 1734, T replaced by C.
Protein change: p.Arg578=; no amino-acid change (arginine 578 retained).
Molecular consequence: synonymous variant. On other transcripts: non-coding transcript variant (1), intron variant (1).
Genome position (GRCh38, 1-based): chr7:5,987,031, A>G on the plus strand (T>C on the coding strand, the complement: PMS2 is on the minus strand). VCF-style: chr7-5987031-A-G. GRCh37 (hg19) VCF-style: chr7-6026662-A-G.
Other names: c.1329T>C, p.Arg443= (NM_001018040.1, NM_001322003.2, NM_001322004.2 and 17 more transcripts); c.1578T>C, p.Arg526= (NM_001322006.2, NM_001406870.1); c.1416T>C, p.Arg472= (NM_001322007.2, NM_001322008.2, NM_001406876.1 and 2 more transcripts); c.1173T>C, p.Arg391= (NM_001322010.2, NM_001406906.1, NM_001406907.1); c.801T>C, p.Arg267= (NM_001322011.2, NM_001322012.2); c.1161T>C, p.Arg387= (NM_001322013.2, NM_001406909.1); c.1734T>C, p.Arg578= (NM_001322014.2, NM_001406871.1, NM_001406872.1); c.1425T>C, p.Arg475= (NM_001322015.2, NM_001406875.1, NM_001406877.1 and 5 more transcripts); and 13 more.
Identifiers: ClinVar variation 2034473 (VCV002034473.5), dbSNP rs2128724400, ClinGen allele CA453746127.

ClinVar aggregate classification (germline): Benign/Likely benign. Review status: criteria provided, multiple submitters, no conflicts (2 of 4 stars). 2 submissions from 2 submitters: Benign (1); Likely benign (1). Last evaluated 2025-01-31.

Conditions:
Hereditary nonpolyposis colorectal neoplasms. Identifiers: MedGen C0009405, MeSH D003123.
Lynch syndrome 4 (LYNCH4). Also called: Colorectal cancer, hereditary nonpolyposis, type 4; Hereditary non-polyposis colorectal cancer, type 4. Identifiers: Orphanet 144, MedGen C1838333, MONDO:0013699, OMIM 614337. Disease mechanism: loss of function.

Submissions (2):

Myriad Genetics, Inc.
Classification: Benign for Lynch syndrome 4. Last evaluated: 2025-01-31. Review status: criteria provided, single submitter. Criteria: Myriad Autosomal Dominant, Autosomal Recessive and X-Linked Classification Criteria (2023). Collection method: clinical testing. Allele origin: unknown.
Comment: This variant is considered benign. This variant is a silent/synonymous amino acid change and it is not expected to impact splicing.

Labcorp Genetics (formerly Invitae), Labcorp
Classification: Likely benign for Hereditary nonpolyposis colorectal neoplasms. Last evaluated: 2021-12-06. Review status: criteria provided, single submitter. Criteria: Invitae Variant Classification Sherloc (09022015). Collection method: clinical testing. Allele origin: germline.